The following is an entry in ClinVar:

ClinVar aggregate classification (germline): Uncertain significance (1 of 4 stars; one submission).

Conditions:
Autosomal recessive limb-girdle muscular dystrophy type R18 (LGMDR18). Also called: Limb-girdle muscular dystrophy, type 2S; MUSCULAR DYSTROPHY, LIMB-GIRDLE, AUTOSOMAL RECESSIVE 18; Autosomal recessive limb-girdle muscular dystrophy type 2S. Identifiers: Orphanet 369840, MedGen C4517996, MONDO:0014144, OMIM 615356.

Allele frequency attached by ClinVar (database versions not stated): gnomAD below 0.00001 and 0.00001; TOPMed 0.00001; gnomAD exomes 0.00003; ExAC 0.00004; 1000 Genomes Project 30x 0.00016; 1000 Genomes Project 0.00020.
gnomAD v4.1: 12 of 1,612,978 alleles (0.00074%); highest among the groups gnomAD compares: South Asian, 0.0077%; no homozygotes.

Submission:

Labcorp Genetics (formerly Invitae), Labcorp
Classification: Uncertain significance for Autosomal recessive limb-girdle muscular dystrophy type R18. Last evaluated: 2021-08-27. Review status: criteria provided, single submitter. Criteria: Invitae Variant Classification Sherloc (09022015). Collection method: clinical testing. Allele origin: germline.
Comment: This sequence change replaces threonine with isoleucine at codon 847 of the TRAPPC11 protein (p.Thr847Ile). The threonine residue is highly conserved and there is a moderate physicochemical difference between threonine and isoleucine. This variant is present in population databases (rs578119880, ExAC 0.02%). This variant has not been reported in the literature in individuals affected with TRAPPC11-related conditions. Algorithms developed to predict the effect of missense changes on protein structure and function (SIFT, PolyPhen-2, Align-GVGD) all suggest that this variant is likely to be tolerated. In summary, the available evidence is currently insufficient to determine the role of this variant in disease. Therefore, it has been classified as a Variant of Uncertain Significance.

NM_021942.6(TRAPPC11):c.2540C>T (p.Thr847Ile)

Gene: TRAPPC11 (trafficking protein particle complex subunit 11; plus strand). Cytogenetic location: 4q35.1.
Variant type: single nucleotide variant.
Coding change: c.2540C>T on transcript NM_021942.6 (MANE Select); coding-DNA position 2540, C replaced by T.
Protein change: p.Thr847Ile; replaces threonine 847 with isoleucine.
Molecular consequence: missense variant.
Genome position (GRCh38, 1-based): chr4:183,694,635, C>T. VCF-style: chr4-183694635-C-T. GRCh37 (hg19) VCF-style: chr4-184615788-C-T.
Other names: c.2540C>T, p.Thr847Ile (NM_199053.3); short protein forms T847I.
Identifiers: ClinVar variation 647690 (VCV000647690.6), dbSNP rs578119880, ClinGen allele CA3152227.